The following is an entry in ClinVar:

ClinVar aggregate classification (germline): Uncertain significance (1 of 4 stars; one submission).

Conditions:
Hereditary cancer-predisposing syndrome. Also called: Neoplastic Syndromes, Hereditary; Hereditary Cancer Syndrome; Tumor predisposition; Hereditary neoplastic syndrome. Identifiers: Orphanet 140162, MedGen C0027672, MeSH D009386, MONDO:0015356.

Submission:

Ambry Genetics
Classification: Uncertain significance for Hereditary cancer-predisposing syndrome. Last evaluated: 2025-02-21. Review status: criteria provided, single submitter. Criteria: Ambry Variant Classification Scheme 2023. Collection method: clinical testing. Allele origin: germline.
Comment: The p.Q1049L variant (also known as c.3146A>T), located in coding exon 20 of the RAD50 gene, results from an A to T substitution at nucleotide position 3146. The glutamine at codon 1049 is replaced by leucine, an amino acid with dissimilar properties. This amino acid position is conserved. In addition, this alteration is predicted to be tolerated by in silico analysis. Based on the available evidence, the clinical significance of this variant remains unclear.

NM_005732.4(RAD50):c.3146A>T (p.Gln1049Leu)

Gene: RAD50 (RAD50 double strand break repair protein; plus strand). Cytogenetic location: 5q31.1.
Variant type: single nucleotide variant.
Coding change: c.3146A>T on transcript NM_005732.4 (MANE Select); coding-DNA position 3146, A replaced by T.
Protein change: p.Gln1049Leu; replaces glutamine 1049 with leucine.
Molecular consequence: missense variant.
Genome position (GRCh38, 1-based): chr5:132,616,112, A>T. VCF-style: chr5-132616112-A-T. GRCh37 (hg19) VCF-style: chr5-131951804-A-T.
Other names: short protein forms Q1049L.
Identifiers: ClinVar variation 3786317 (VCV003786317.1).
Genomic context (GRCh38, chr5:132,616,112, plus strand): 5'-AGGAACTAAAAGAAGTTGAAGAAGAAAGAAAACAACATTTGAAGGAAATGGGTCAAATGC[A>T]GGTTTTGCAAATGAAAAGGTATGCTTTTAAAATAATCTTCAGTTTAAATAAACGTCTTTA-3'
Protein context (NP_005723.2, residues 1039-1059): KQHLKEMGQM[Gln1049Leu]VLQMKSEHQK